The following is an entry in ClinVar:

NM_019594.4(LRRC8A):c.2270C>T (p.Thr757Met)

Gene: LRRC8A (leucine rich repeat containing 8 VRAC subunit A; plus strand). Cytogenetic location: 9q34.11.
Variant type: single nucleotide variant.
Coding change: c.2270C>T on transcript NM_019594.4 (MANE Select); coding-DNA position 2270, C replaced by T.
Protein change: p.Thr757Met; replaces threonine 757 with methionine.
Molecular consequence: missense variant.
Genome position (GRCh38, 1-based): chr9:128,916,208, C>T. VCF-style: chr9-128916208-C-T. GRCh37 (hg19) VCF-style: chr9-131678487-C-T.
Other names: c.2270C>T, p.Thr757Met (NM_001127244.2, NM_001127245.2); short protein forms T757M.
Identifiers: ClinVar variation 1935927 (VCV001935927.5), dbSNP rs557710052, ClinGen allele CA5271052.

ClinVar aggregate classification (germline): Uncertain significance (1 of 4 stars; one submission).

Allele frequency attached by ClinVar (database versions not stated): gnomAD exomes 0.00002; gnomAD 0.00003; TOPMed 0.00003; ExAC 0.00006; 1000 Genomes Project 0.00040; 1000 Genomes Project 30x 0.00062.
gnomAD v4.1: 32 of 1,613,490 alleles (0.002%); highest among the groups gnomAD compares: Middle Eastern, 0.017%; no homozygotes.

Submission:

Labcorp Genetics (formerly Invitae), Labcorp
Classification: Uncertain significance. Last evaluated: 2025-11-23. Review status: criteria provided, single submitter. Criteria: Invitae Variant Classification Sherloc (09022015). Collection method: clinical testing. Allele origin: germline.
Comment: This sequence change replaces threonine, which is neutral and polar, with methionine, which is neutral and non-polar, at codon 757 of the LRRC8A protein (p.Thr757Met). This variant is present in population databases (rs557710052, gnomAD 0.01%). This variant has not been reported in the literature in individuals affected with LRRC8A-related conditions. ClinVar contains an entry for this variant (Variation ID: 1935927). An algorithm developed to predict the effect of missense changes on protein structure and function (PolyPhen-2) suggests that this variant is likely to be tolerated. In summary, the available evidence is currently insufficient to determine the role of this variant in disease. Therefore, it has been classified as a Variant of Uncertain Significance.